The following is an entry in ClinVar:

ClinVar aggregate classification (germline): Uncertain significance. Review status: criteria provided, multiple submitters, no conflicts (2 of 4 stars). 3 submissions from 3 submitters: Uncertain significance (3). Last evaluated 2025-01-06.

Conditions:
Inborn genetic diseases. Identifiers: MedGen C0950123, MeSH D030342.
Pulmonary fibrosis and/or bone marrow failure, Telomere-related, 3. Also called: PULMONARY FIBROSIS AND/OR BONE MARROW FAILURE SYNDROME, TELOMERE-RELATED, 3. Identifiers: Orphanet 2032, MedGen C4225346, MONDO:0014613, OMIM 616373.
Dyskeratosis congenita, autosomal recessive 5 (DKCB5). Identifiers: MedGen C3554656, MONDO:0014076, OMIM 615190.

Allele frequency attached by ClinVar (database versions not stated): TOPMed 0.00001.
gnomAD v4.1: 5 of 1,612,518 alleles (0.00031%); highest among the groups gnomAD compares: Non-Finnish European, 0.00042%; no homozygotes.

Submissions (3):

Labcorp Genetics (formerly Invitae), Labcorp
Classification: Uncertain significance for Dyskeratosis congenita, autosomal recessive 5; Pulmonary fibrosis and/or bone marrow failure, Telomere-related, 3. Last evaluated: 2025-01-06. Review status: criteria provided, single submitter. Criteria: Invitae Variant Classification Sherloc (09022015). Collection method: clinical testing. Allele origin: germline.
Comment: This sequence change replaces methionine, which is neutral and non-polar, with leucine, which is neutral and non-polar, at codon 900 of the RTEL1 protein (p.Met900Leu). This variant is present in population databases (no rsID available, gnomAD 0.0009%). This variant has not been reported in the literature in individuals affected with RTEL1-related conditions. ClinVar contains an entry for this variant (Variation ID: 1002024). An algorithm developed to predict the effect of missense changes on protein structure and function (PolyPhen-2) suggests that this variant is likely to be tolerated. In summary, the available evidence is currently insufficient to determine the role of this variant in disease. Therefore, it has been classified as a Variant of Uncertain Significance.

Ambry Genetics
Classification: Uncertain significance for Inborn genetic diseases. Last evaluated: 2024-10-04. Review status: criteria provided, single submitter. Criteria: Ambry Variant Classification Scheme 2023. Collection method: clinical testing. Allele origin: germline.
Comment: The p.M900L variant (also known as c.2698A>C), located in coding exon 28 of the RTEL1 gene, results from an A to C substitution at nucleotide position 2698. The methionine at codon 900 is replaced by leucine, an amino acid with highly similar properties. This amino acid position is conserved. In addition, this alteration is predicted to be tolerated by in silico analysis. Based on the available evidence, the clinical significance of this variant remains unclear.

Blueprint Genetics
Classification: Uncertain significance. Last evaluated: 2021-04-22. Review status: criteria provided, single submitter. Criteria: ACMG Guidelines, 2015. Collection method: clinical testing. Allele origin: germline.

NM_001283009.2(RTEL1):c.2698A>C (p.Met900Leu)

Genes: RTEL1 (regulator of telomere elongation helicase 1; plus strand), RTEL1-TNFRSF6B (RTEL1-TNFRSF6B readthrough (NMD candidate); plus strand). Cytogenetic location: 20q13.33.
Variant type: single nucleotide variant.
Coding change: c.2698A>C on transcript NM_001283009.2 (MANE Select); coding-DNA position 2698, A replaced by C.
Protein change: p.Met900Leu; replaces methionine 900 with leucine.
Molecular consequence: missense variant. On other transcripts: non-coding transcript variant (1).
Genome position (GRCh38, 1-based): chr20:63,692,850, A>C. VCF-style: chr20-63692850-A-C. GRCh37 (hg19) VCF-style: chr20-62324203-A-C.
Other names: c.2029A>C, p.Met677Leu (NM_001283010.1); c.2698A>C, p.Met900Leu (NM_016434.4); c.2770A>C, p.Met924Leu (NM_032957.5); short protein forms M677L, M900L, M924L.
Identifiers: ClinVar variation 1002024 (VCV001002024.15), dbSNP rs749041304, ClinGen allele CA317520421.